The following is an entry in ClinVar:

NM_004523.4(KIF11):c.209T>C (p.Met70Thr)

Gene: KIF11 (kinesin family member 11; plus strand). Cytogenetic location: 10q23.33.
Variant type: single nucleotide variant.
Coding change: c.209T>C on transcript NM_004523.4 (MANE Select); coding-DNA position 209, T replaced by C.
Protein change: p.Met70Thr; replaces methionine 70 with threonine.
Molecular consequence: missense variant.
Genome position (GRCh38, 1-based): chr10:92,606,396, T>C. VCF-style: chr10-92606396-T-C. GRCh37 (hg19) VCF-style: chr10-94366153-T-C.
Other names: short protein forms M70T.
Identifiers: ClinVar variation 3376197 (VCV003376197.1).

ClinVar aggregate classification (germline): Uncertain significance (1 of 4 stars; one submission).

Conditions:
Microcephaly with or without chorioretinopathy, lymphedema, or impaired intellectual development. Also called: MICROCEPHALY AND CHORIORETINOPATHY WITH OR WITHOUT MENTAL RETARDATION, AUTOSOMAL DOMINANT; MICROCEPHALY, LYMPHEDEMA, CHORIORETINAL DYSPLASIA SYNDROME; Microcephaly lymphedema chorioretinal dysplasia; Microcephaly with or without chorioretinopathy, lymphedema, or mental retardation; Microcephaly with or without chorioretinopathy, lymphedema, or intellectual disability. Identifiers: Orphanet 2526, MedGen C1835265, MONDO:0007918, OMIM 152950.

Submission:

Pittsburgh Clinical Genomics Laboratory, University of Pittsburgh Medical Center
Classification: Uncertain significance for Microcephaly with or without chorioretinopathy, lymphedema, or impaired intellectual development. Last evaluated: 2022-11-14. Review status: criteria provided, single submitter. Criteria: ACMG Guidelines, 2015. Collection method: clinical testing. Allele origin: germline. Inheritance: Autosomal dominant inheritance. Affected: yes.
Comment: This sequence variant is a single nucleotide substitution (T>C) at coding nucleotide 209 in the KIF11 gene which results in a methionine to threonine amino acid change at residue 70 in the KIF11 protein. This novel variant has not been reported previously in individuals with KIF11-related disease, to our knowledge. This variant is absent from the gnomAD control population database (0/~228000 alleles). Bioinformatic tools are inconsistent in their predictions if this variant is likely to be damaging or tolerated, though the Met70 residue is highly conserved in vertebrates. Additioly, splicing tools predict that this variant may affect the utilization of the exon 2 splice donor site. Functiol studies assessing the effect of this variant on protein structure or activity have not been performed, to our knowledge. At this time, there is insufficient evidence to determine if this variant is pathogenic or benign. Therefore, we consider it to be a variant of uncertain significance. ACMG Criteria: PM2